The following is an entry in ClinVar:

ClinVar aggregate classification (germline): Pathogenic (1 of 4 stars; one submission).

Conditions:
Microcephaly. Also called: Microcephaly (disease). Identifiers: MedGen C4551563, MONDO:0001149, HP:0000252.
Severe intellectual disability. Identifiers: MedGen C0036857, HP:0010864.
Cerebral calcification. Also called: Cerebral calcifications. Identifiers: MedGen C0270685, HP:0002514.
Seizure. Also called: Seizures. Identifiers: MedGen C0036572, HP:0001250.

Submission:

Institute of Human Genetics, University of Leipzig Medical Center
Classification: Pathogenic for Severe intellectual disability; Seizure; Microcephaly; Cerebral calcification. Last evaluated: 2022-04-14. Review status: criteria provided, single submitter. Criteria: ACMG Guidelines, 2015. Collection method: research. Allele origin: germline. Affected: yes.
Comment: The variant was identified as homozygous. Criteria applied: PVS1, PM2_Supporting, PM3_Supporting

Literature cited by the submitters: DOI doi.org/10.1101/2022.04.04.22273309.

NM_003622.4(PPFIBP1):c.2629C>T (p.Arg877Ter)

Gene: PPFIBP1 (PPFIB scaffold protein 1; plus strand). Cytogenetic location: 12p11.22.
Variant type: single nucleotide variant.
Coding change: c.2629C>T on transcript NM_003622.4 (MANE Select); coding-DNA position 2629, C replaced by T.
Protein change: p.Arg877Ter; replaces arginine 877 with a stop codon.
Molecular consequence: nonsense.
Genome position (GRCh38, 1-based): chr12:27,689,147, C>T. VCF-style: chr12-27689147-C-T. GRCh37 (hg19) VCF-style: chr12-27842080-C-T.
Other names: c.2188C>T, p.Arg730Ter (NM_001198915.2); c.2554C>T, p.Arg852Ter (NM_001198916.2); c.2647C>T, p.Arg883Ter (NM_177444.3); short protein forms R730*, R852*, R877*, R883*.
Identifiers: ClinVar variation 1679183 (VCV001679183.1), dbSNP rs1363198922, ClinGen allele CA384194473.